The following is an entry in ClinVar:

NM_178014.4(TUBB):c.637C>T (p.Arg213Cys)

Gene: TUBB (tubulin beta class I; plus strand). Cytogenetic location: 6p21.33.
Variant type: single nucleotide variant.
Coding change: c.637C>T on transcript NM_178014.4 (MANE Select); coding-DNA position 637, C replaced by T.
Protein change: p.Arg213Cys; replaces arginine 213 with cysteine.
Molecular consequence: missense variant. On other transcripts: intron variant (1).
Genome position (GRCh38, 1-based): chr6:30,723,699, C>T. VCF-style: chr6-30723699-C-T. GRCh37 (hg19) VCF-style: chr6-30691476-C-T.
Other names: c.697C>T, p.Arg233Cys (NM_001293212.2); c.505C>T, p.Arg169Cys (NM_001293214.2); c.421C>T, p.Arg141Cys (NM_001293215.2, NM_001293216.2); c.369+268C>T (NM_001293213.2); short protein forms R141C, R233C, R169C, R213C.
Identifiers: ClinVar variation 4193922 (VCV004193922.3).
Genomic context (GRCh38, chr6:30,723,699, plus strand): 5'-GTAGAGAATACTGATGAGACCTATTGCATTGACAACGAGGCCCTCTATGATATCTGCTTC[C>T]GCACTCTGAAGCTGACCACACCAACCTACGGGGATCTGAACCACCTTGTCTCAGCCACCA-3'
Protein context (NP_821133.1, residues 203-223): DNEALYDICF[Arg213Cys]TLKLTTPTYG

ClinVar aggregate classification (germline): Uncertain significance. Review status: criteria provided, multiple submitters, no conflicts (2 of 4 stars). 2 submissions from 2 submitters: Uncertain significance (2). Last evaluated 2026-07-01.

Conditions:
Inborn genetic diseases. Identifiers: MedGen C0950123, MeSH D030342.

Submissions (2):

CeGaT Center for Human Genetics Tuebingen
Classification: Uncertain significance. Last evaluated: 2026-07-01. Review status: criteria provided, single submitter. Criteria: CeGaT Center For Human Genetics Tuebingen Variant Classification Criteria Version 2. Collection method: clinical testing. Allele origin: germline. Affected: yes. Observed: 1 variant allele.
Comment: TUBB: PM2, PP2, PP3

Ambry Genetics
Classification: Uncertain significance for Inborn genetic diseases. Last evaluated: 2025-08-11. Review status: criteria provided, single submitter. Criteria: Ambry Variant Classification Scheme 2023. Collection method: clinical testing. Allele origin: germline.
Comment: The c.637C>T (p.R213C) alteration is located in exon 4 (coding exon 4) of the TUBB gene. This alteration results from a C to T substitution at nucleotide position 637, causing the arginine (R) at amino acid position 213 to be replaced by a cysteine (C). This variant was not reported in population-based cohorts in the Genome Aggregation Database (gnomAD). This variant was reported in individual(s) with features consistent with TUBB-related multiple congenital anomalies (Rod&oacute;, 2024; Zeng, 2024). This amino acid position is highly conserved in available vertebrate species. This missense alteration is located in a region that has a low rate of benign missense variation (Lek, 2016; Firth, 2009). This alteration is predicted to be deleterious by in silico analysis. Based on insufficient or conflicting evidence, the clinical significance of this alteration remains unclear.

Literature cited by the submitters: PubMed 38902939 (cited by Ambry Genetics); PubMed 39304976 (cited by Ambry Genetics).